The following is an entry in ClinVar:

NM_181426.2(CCDC39):c.1876_1877dup (p.Glu627fs)

Gene: CCDC39 (coiled-coil domain 39 molecular ruler complex subunit; minus strand). Cytogenetic location: 3q26.33.
Variant type: Duplication.
Coding change: c.1876_1877dup on transcript NM_181426.2 (MANE Select); coding-DNA positions 1876 to 1877, 2 bases duplicated (AC; older notation c.1876_1877dupAC).
Protein change: p.Glu627fs; shifts the reading frame from glutamic acid 627.
Molecular consequence: frameshift variant.
Genome position (GRCh38, 1-based): chr3:180,631,590-180,631,591, GT duplicated on the plus strand (AC on the coding strand, the reverse complement: CCDC39 is on the minus strand); duplicating any 2 consecutive bases within chr3:180,631,590-180,631,592 gives the same sequence; the c. name uses the placement nearest the transcript's 3' end. VCF-style (leftmost placement, unchanged base first): chr3-180631589-A-AGT. GRCh37 (hg19) VCF-style: chr3-180349377-A-AGT.
Other names: short protein forms E627fs.
Identifiers: ClinVar variation 2955469 (VCV002955469.5), dbSNP rs746728127, ClinGen allele CA2715840.

ClinVar aggregate classification (germline): Pathogenic/Likely pathogenic. Review status: criteria provided, multiple submitters, no conflicts (2 of 4 stars). 3 submissions from 3 submitters: Pathogenic (1); Likely pathogenic (2). Last evaluated 2025-01-29.

Conditions:
Primary ciliary dyskinesia. Also called: Ciliary dyskinesia. Identifiers: Orphanet 244, MedGen C0008780, MONDO:0016575, HP:0012265.
CCDC39-related disorder. Also called: CCDC39-related condition.
Primary ciliary dyskinesia 14. Also called: CILIARY DYSKINESIA, PRIMARY, 14, WITH OR WITHOUT SITUS INVERSUS. Identifiers: Orphanet 244, MedGen C3151136, MONDO:0013434, OMIM 613807.

Submissions (3):

Greenwood Genetic Center Diagnostic Laboratories, Greenwood Genetic Center
Classification: Likely pathogenic for Primary ciliary dyskinesia 14. Last evaluated: 2025-01-29. Review status: criteria provided, single submitter. Criteria: ACMG Guidelines, 2015. Collection method: clinical testing. Allele origin: germline. Affected: yes.
Comment: PVS1, PM2

Labcorp Genetics (formerly Invitae), Labcorp
Classification: Pathogenic for Primary ciliary dyskinesia. Last evaluated: 2024-07-19. Review status: criteria provided, single submitter. Criteria: Invitae Variant Classification Sherloc (09022015). Collection method: clinical testing. Allele origin: germline.
Comment: This sequence change creates a premature translational stop signal (p.Glu627Leufs*7) in the CCDC39 gene. It is expected to result in an absent or disrupted protein product. Loss-of-function variants in CCDC39 are known to be pathogenic (PMID: 21131972, 23255504). This variant is not present in population databases (gnomAD no frequency). This variant has not been reported in the literature in individuals affected with CCDC39-related conditions. For these reasons, this variant has been classified as Pathogenic.

Blueprint Genetics
Classification: Likely pathogenic for CCDC39-related disorders. Last evaluated: 2022-07-11. Review status: criteria provided, single submitter. Criteria: ACMG Guidelines, 2015. Collection method: clinical testing. Allele origin: germline. Affected: yes. Observed: 1 variant allele.

Literature cited by the submitters: PubMed 21131972 (cited by Labcorp Genetics (formerly Invitae), Labcorp); PubMed 23255504 (cited by Labcorp Genetics (formerly Invitae), Labcorp).